The following is an entry in ClinVar:

NM_004415.4(DSP):c.2131-2A>G

Gene: DSP (desmoplakin; plus strand). Cytogenetic location: 6p24.3.
Variant type: single nucleotide variant.
Coding change: c.2131-2A>G on transcript NM_004415.4 (MANE Select); the canonical splice acceptor site of the intron before coding-DNA position 2131, A replaced by G.
Molecular consequence: splice acceptor variant.
Genome position (GRCh38, 1-based): chr6:7,574,084, A>G. VCF-style: chr6-7574084-A-G. GRCh37 (hg19) VCF-style: chr6-7574317-A-G.
Other names: c.2131-2A>G (NM_001319034.2, NM_001008844.3).
Identifiers: ClinVar variation 4785451 (VCV004785451.1).
Genomic context (GRCh38, chr6:7,574,084, plus strand): 5'-AAATATATACAGTAATAAAAAGAATCAGCTAAATCAAAAGAGCTTTCCTTCATTTTTGAC[A>G]GAGTGTGCAGAATGATTCACAAGCAATTGCTGAGGTTCTCAACCAGCTTAAAGATATGCT-3'

ClinVar aggregate classification (germline): Likely pathogenic (1 of 4 stars; one submission).

Conditions:
Arrhythmogenic cardiomyopathy with wooly hair and keratoderma. Also called: Carvajal syndrome; PALMOPLANTAR KERATODERMA WITH LEFT VENTRICULAR CARDIOMYOPATHY AND WOOLLY HAIR; Dilated cardiomyopathy with woolly hair and keratoderma; Arrhythmogenic cardiomyopathy with woolly hair and keratoderma. Identifiers: Orphanet 65282, MedGen C1854063, MONDO:0011581, OMIM 605676.
Arrhythmogenic right ventricular dysplasia 8 (ARVD8). Also called: Arrhythmogenic Right Ventricular Dysplasia/Cardiomyopathy 8; ARRHYTHMOGENIC RIGHT VENTRICULAR DYSPLASIA, FAMILIAL, 8; ARRHYTHMOGENIC RIGHT VENTRICULAR CARDIOMYOPATHY 8. Identifiers: MedGen C1843896, MONDO:0011831, OMIM 607450.

Submission:

Labcorp Genetics (formerly Invitae), Labcorp
Classification: Likely pathogenic for Arrhythmogenic cardiomyopathy with wooly hair and keratoderma; Arrhythmogenic right ventricular dysplasia 8. Last evaluated: 2025-07-02. Review status: criteria provided, single submitter. Criteria: Invitae Variant Classification Sherloc (09022015). Collection method: clinical testing. Allele origin: germline.
Comment: This sequence change affects an acceptor splice site in intron 15 of the DSP gene. It is expected to disrupt RNA splicing. Variants that disrupt the donor or acceptor splice site typically lead to a loss of protein function (PMID: 16199547), and loss-of-function variants in DSP are known to be pathogenic (PMID: 20716751, 24503780, 25227139). This variant is not present in population databases (gnomAD no frequency). This variant has not been reported in the literature in individuals affected with DSP-related conditions. Algorithms developed to predict the effect of sequence changes on RNA splicing suggest that this variant may disrupt the consensus splice site. In summary, the currently available evidence indicates that the variant is pathogenic, but additional data are needed to prove that conclusively. Therefore, this variant has been classified as Likely Pathogenic.

Literature cited by the submitters: PubMed 16199547; PubMed 20716751; PubMed 24503780; PubMed 25227139.